The following is an entry in ClinVar:

ClinVar aggregate classification (germline): Uncertain significance (1 of 4 stars; one submission).

Conditions:
Complement component 7 deficiency (C7D). Also called: C7 DEFICIENCY. Identifiers: MedGen C1864694, MONDO:0012412, OMIM 610102.

gnomAD v4.1: 7 of 1,613,718 alleles (0.00043%); highest among the groups gnomAD compares: East Asian, 0.016%; no homozygotes.

Submission:

Juno Genomics, Hangzhou Juno Genomics, Inc
Classification: Uncertain significance for Complement component 7 deficiency. Review status: criteria provided, single submitter. Criteria: ACMG Guidelines, 2015. Collection method: clinical testing. Allele origin: germline.
Comment: Absent from controls (or at extremely low frequency if recessive) in Genome Aggregation Database.;Multiple lines of computational evidence support a deleterious effect on the gene or gene product.

NM_000587.4(C7):c.830G>C (p.Trp277Ser)

Gene: C7 (complement C7; plus strand). Cytogenetic location: 5p13.1.
Variant type: single nucleotide variant.
Coding change: c.830G>C on transcript NM_000587.4 (MANE Select); coding-DNA position 830, G replaced by C.
Protein change: p.Trp277Ser; replaces tryptophan 277 with serine.
Molecular consequence: missense variant.
Genome position (GRCh38, 1-based): chr5:40,947,693, G>C. VCF-style: chr5-40947693-G-C. GRCh37 (hg19) VCF-style: chr5-40947795-G-C.
Other names: short protein forms W277S.
Identifiers: ClinVar variation 5006899 (VCV005006899.2).